The following is an entry in ClinVar:

ClinVar aggregate classification (germline): Uncertain significance (1 of 4 stars; one submission).

Submission:

Labcorp Genetics (formerly Invitae), Labcorp
Classification: Uncertain significance. Last evaluated: 2025-01-06. Review status: criteria provided, single submitter. Criteria: Invitae Variant Classification Sherloc (09022015). Collection method: clinical testing. Allele origin: germline.
Comment: This sequence change falls in intron 11 of the NEDD4L gene. It does not directly change the encoded amino acid sequence of the NEDD4L protein. This variant is not present in population databases (gnomAD no frequency). This variant has not been reported in the literature in individuals affected with NEDD4L-related conditions. ClinVar contains an entry for this variant (Variation ID: 2879716). Algorithms developed to predict the effect of sequence changes on RNA splicing suggest that this variant may disrupt the consensus splice site. In summary, the available evidence is currently insufficient to determine the role of this variant in disease. Therefore, it has been classified as a Variant of Uncertain Significance.

NM_001144967.3(NEDD4L):c.991-19T>G

Gene: NEDD4L (NEDD4 like E3 ubiquitin protein ligase; plus strand). Cytogenetic location: 18q21.31.
Variant type: single nucleotide variant.
Coding change: c.991-19T>G on transcript NM_001144967.3 (MANE Select); 19 bases into the intron before coding-DNA position 991, T replaced by G.
Molecular consequence: intron variant.
Genome position (GRCh38, 1-based): chr18:58,333,799, T>G. VCF-style: chr18-58333799-T-G. GRCh37 (hg19) VCF-style: chr18-56001031-T-G.
Other names: c.991-19T>G (NM_015277.6, NM_001243960.2); c.628-19T>G (NM_001144964.1, NM_001144971.2, NM_001144965.2 and 2 more transcripts); c.967-19T>G (NM_001144968.2, NM_001144969.2).
Identifiers: ClinVar variation 2879716 (VCV002879716.3), dbSNP rs767083778, ClinGen allele CA2739268781.